The following is an entry in ClinVar:

ClinVar aggregate classification (germline): Uncertain significance (1 of 4 stars; one submission).

Submission:

Labcorp Genetics (formerly Invitae), Labcorp
Classification: Uncertain significance. Last evaluated: 2024-08-22. Review status: criteria provided, single submitter. Criteria: Invitae Variant Classification Sherloc (09022015). Collection method: clinical testing. Allele origin: germline.
Comment: This sequence change creates a premature translational stop signal (p.Cys111Argfs*5) in the LRRC10 gene. While this is not anticipated to result in nonsense mediated decay, it is expected to disrupt the last 167 amino acid(s) of the LRRC10 protein. This variant is not present in population databases (gnomAD no frequency). This variant has not been reported in the literature in individuals affected with LRRC10-related conditions. Experimental studies and prediction algorithms are not available or were not evaluated, and the functional significance of this variant is currently unknown. In summary, the available evidence is currently insufficient to determine the role of this variant in disease. Therefore, it has been classified as a Variant of Uncertain Significance.

NM_201550.4(LRRC10):c.330_331del (p.Cys111fs)

Gene: LRRC10 (leucine rich repeat containing 10; minus strand). Cytogenetic location: 12q15.
Variant type: Microsatellite.
Coding change: c.330_331del on transcript NM_201550.4 (MANE Select); coding-DNA positions 330 to 331, 2 bases deleted (CT; older notation c.330_331delCT).
Protein change: p.Cys111fs; shifts the reading frame from cysteine 111.
Molecular consequence: frameshift variant.
Genome position (GRCh38, 1-based): chr12:69,610,508-69,610,509, AG deleted on the plus strand (CT on the coding strand, the reverse complement: LRRC10 is on the minus strand); deleting any 2 consecutive bases within chr12:69,610,508-69,610,511 gives the same sequence; the c. name uses the placement nearest the transcript's 3' end. VCF-style (leftmost placement, unchanged base first): chr12-69610507-CAG-C. GRCh37 (hg19) VCF-style: chr12-70004287-CAG-C.
Other names: short protein forms C111fs.
Identifiers: ClinVar variation 3699616 (VCV003699616.2).
Genomic context (GRCh38, chr12:69,610,507, plus strand): 5'-TTGGCCTCGATCCACAGGGTCCTGAGGTTCTGGAGCAGGCTCAGCTCACTGGGGAGGTCG[CAG>C]AGTTTGTTGTTGCCCAGGTAGAGGATGCAGAGCTGTTTCAAGGTGCACACCACCTGGGGC-3'